The following is an entry in ClinVar:

ClinVar aggregate classification (germline): Conflicting classifications of pathogenicity. Review status: criteria provided, conflicting classifications (1 of 4 stars). 2 submissions from 2 submitters: Uncertain significance (1); Likely benign (1). Last evaluated 2025-12-29.

Conditions:
Hereditary breast ovarian cancer syndrome. Also called: Hereditary breast and ovarian cancer syndrome; Hereditary breast and ovarian cancer syndrome (HBOC); BRCA1- and BRCA2-Associated Hereditary Breast and Ovarian Cancer; Hereditary breast and ovarian cancer; Breast and ovarian cancer; Hereditary breast and/or ovarian cancer syndrome. Identifiers: Orphanet 145, MedGen C0677776, MeSH D061325, MONDO:0003582. Disease mechanism: loss of function.

Submissions (2):

Center for Genomic Medicine, Rigshospitalet, Copenhagen University Hospital
Classification: Likely benign. Last evaluated: 2025-12-29. Review status: criteria provided, single submitter. Criteria: ACMG Guidelines, 2015. Collection method: clinical testing. Allele origin: germline.
Comment: Classification criteria: BP1_strong

Labcorp Genetics (formerly Invitae), Labcorp
Classification: Uncertain significance for Hereditary breast ovarian cancer syndrome. Last evaluated: 2025-04-18. Review status: criteria provided, single submitter. Criteria: Invitae Variant Classification Sherloc (09022015). Collection method: clinical testing. Allele origin: germline.
Comment: This sequence change replaces proline, which is neutral and non-polar, with leucine, which is neutral and non-polar, at codon 2408 of the BRCA2 protein (p.Pro2408Leu). This variant is not present in population databases (gnomAD no frequency). This variant has not been reported in the literature in individuals affected with BRCA2-related conditions. ClinVar contains an entry for this variant (Variation ID: 3636517). Invitae Evidence Modeling of protein sequence and biophysical properties (such as structural, functional, and spatial information, amino acid conservation, physicochemical variation, residue mobility, and thermodynamic stability) indicates that this missense variant is not expected to disrupt BRCA2 protein function with a negative predictive value of 95%. In summary, the available evidence is currently insufficient to determine the role of this variant in disease. Therefore, it has been classified as a Variant of Uncertain Significance.

NM_000059.4(BRCA2):c.7223C>T (p.Pro2408Leu)

Gene: BRCA2 (BRCA2 DNA repair associated; plus strand). Cytogenetic location: 13q13.1.
Variant type: single nucleotide variant.
Coding change: c.7223C>T on transcript NM_000059.4 (MANE Select); coding-DNA position 7223, C replaced by T.
Protein change: p.Pro2408Leu; replaces proline 2408 with leucine.
Molecular consequence: missense variant. On other transcripts: non-coding transcript variant (1).
Genome position (GRCh38, 1-based): chr13:32,355,076, C>T. VCF-style: chr13-32355076-C-T. GRCh37 (hg19) VCF-style: chr13-32929213-C-T.
Other names: c.7127C>T, p.Pro2376Leu (NM_001406719.1); c.7223C>T, p.Pro2408Leu (NM_001406720.1, NM_001432077.1); c.2291C>T, p.Pro764Leu (NM_001406721.1); c.806C>T, p.Pro269Leu (NM_001406722.1); short protein forms P2408L, P764L, P2376L, P269L.
Identifiers: ClinVar variation 3636517 (VCV003636517.3).